The following is an entry in ClinVar:

NM_000535.7(PMS2):c.761A>G (p.Glu254Gly)

Gene: PMS2 (PMS1 homolog 2, mismatch repair system component; minus strand). Cytogenetic location: 7p22.1.
Variant type: single nucleotide variant.
Coding change: c.761A>G on transcript NM_000535.7 (MANE Select); coding-DNA position 761, A replaced by G.
Protein change: p.Glu254Gly; replaces glutamic acid 254 with glycine.
Molecular consequence: missense variant. On other transcripts: 5 prime UTR variant (2), non-coding transcript variant (1).
Genome position (GRCh38, 1-based): chr7:5,997,368, T>C on the plus strand (A>G on the coding strand, the complement: PMS2 is on the minus strand). VCF-style: chr7-5997368-T-C. GRCh37 (hg19) VCF-style: chr7-6036999-T-C.
Other names: c.356A>G, p.Glu119Gly (NM_001322003.2, NM_001322004.2, NM_001322005.2 and 2 more transcripts); c.761A>G, p.Glu254Gly (NM_001322006.2, NM_001322014.2); c.443A>G, p.Glu148Gly (NM_001322007.2, NM_001322008.2); c.-173A>G (NM_001322011.2, NM_001322012.2); c.188A>G, p.Glu63Gly (NM_001322013.2); c.452A>G, p.Glu151Gly (NM_001322015.2); short protein forms E119G, E63G, E148G, E151G, E254G.
Identifiers: ClinVar variation 1046168 (VCV001046168.9), dbSNP rs1784530360, ClinGen allele CA366743689.

ClinVar aggregate classification (germline): Uncertain significance (1 of 4 stars; one submission).

Conditions:
Hereditary nonpolyposis colorectal neoplasms. Identifiers: MedGen C0009405, MeSH D003123.

Submission:

Labcorp Genetics (formerly Invitae), Labcorp
Classification: Uncertain significance for Hereditary nonpolyposis colorectal neoplasms. Last evaluated: 2020-02-14. Review status: criteria provided, single submitter. Criteria: Invitae Variant Classification Sherloc (09022015). Collection method: clinical testing. Allele origin: germline.
Comment: In summary, the available evidence is currently insufficient to determine the role of this variant in disease. Therefore, it has been classified as a Variant of Uncertain Significance. Algorithms developed to predict the effect of sequence changes on RNA splicing suggest that this variant may create or strengthen a splice site, but this prediction has not been confirmed by published transcriptional studies. Algorithms developed to predict the effect of missense changes on protein structure and function are either unavailable or do not agree on the potential impact of this missense change (SIFT: "Deleterious"; PolyPhen-2: "Probably Damaging"; Align-GVGD: "Class C0"). This variant has not been reported in the literature in individuals with PMS2-related conditions. This variant is not present in population databases (ExAC no frequency). This sequence change replaces glutamic acid with glycine at codon 254 of the PMS2 protein (p.Glu254Gly). The glutamic acid residue is moderately conserved and there is a moderate physicochemical difference between glutamic acid and glycine.